The following is an entry in ClinVar:

ClinVar aggregate classification (germline): Pathogenic (1 of 4 stars; one submission).

Conditions:
Tuberous sclerosis 2 (TSC2). Identifiers: Orphanet 805, MedGen C1860707, MONDO:0013199, OMIM 613254.

Submission:

Labcorp Genetics (formerly Invitae), Labcorp
Classification: Pathogenic for Tuberous sclerosis 2. Last evaluated: 2022-08-07. Review status: criteria provided, single submitter. Criteria: Invitae Variant Classification Sherloc (09022015). Collection method: clinical testing. Allele origin: germline.
Comment: For these reasons, this variant has been classified as Pathogenic. A similar copy number variant has been observed in individual(s) with tuberous sclerosis complex (PMID: 32555378). This variant is a gross deletion of the genomic region encompassing exon(s) 14 of the TSC2 gene. This deletion is out-of-frame, and is expected to create a premature termination codon and result in an absent or disrupted protein product. Loss-of-function variants in TSC2 are known to be pathogenic (PMID: 10205261, 17304050).

Literature cited by the submitters: PubMed 32555378; PubMed 10205261; PubMed 17304050.

NC_000016.9:g.(?_2112953)_(2113074_?)del

Gene: TSC2 (TSC complex subunit 2; plus strand). Cytogenetic location: 16p13.3.
Variant type: Deletion.
Identifiers: ClinVar variation 2423283 (VCV002423283.2).